The following is an entry in ClinVar:

ClinVar aggregate classification (germline): Uncertain significance (1 of 4 stars; one submission).

Conditions:
Encephalopathy, acute, infection-induced (herpes-specific), susceptibility to, 1. Also called: Herpes simplex encephalitis, susceptibility to, 1. Identifiers: Orphanet 1930, MedGen C2750180, MONDO:0024563, OMIM 610551.

Submission:

Labcorp Genetics (formerly Invitae), Labcorp
Classification: Uncertain significance for Encephalopathy, acute, infection-induced (herpes-specific), susceptibility to, 1. Last evaluated: 2022-07-26. Review status: criteria provided, single submitter. Criteria: Invitae Variant Classification Sherloc (09022015). Collection method: clinical testing. Allele origin: germline.
Comment: This sequence change replaces aspartic acid, which is acidic and polar, with valine, which is neutral and non-polar, at codon 106 of the UNC93B1 protein (p.Asp106Val). This variant is not present in population databases (gnomAD no frequency). This variant has not been reported in the literature in individuals affected with UNC93B1-related conditions. Experimental studies and prediction algorithms are not available or were not evaluated, and the functional significance of this variant is currently unknown. In summary, the available evidence is currently insufficient to determine the role of this variant in disease. Therefore, it has been classified as a Variant of Uncertain Significance.

NM_030930.4(UNC93B1):c.317A>T (p.Asp106Val)

Gene: UNC93B1 (unc-93B1 regulator of TLR signaling; minus strand). Cytogenetic location: 11q13.2.
Variant type: single nucleotide variant.
Coding change: c.317A>T on transcript NM_030930.4 (MANE Select); coding-DNA position 317, A replaced by T.
Protein change: p.Asp106Val; replaces aspartic acid 106 with valine.
Molecular consequence: missense variant.
Genome position (GRCh38, 1-based): chr11:68,003,097, T>A on the plus strand (A>T on the coding strand, the complement: UNC93B1 is on the minus strand). VCF-style: chr11-68003097-T-A. GRCh37 (hg19) VCF-style: chr11-67770567-T-A.
Other names: short protein forms D106V.
Identifiers: ClinVar variation 1929096 (VCV001929096.2), dbSNP rs2495497894, ClinGen allele CA381578248.